The following is an entry in ClinVar:

ClinVar aggregate classification (germline): Benign. Review status: criteria provided, multiple submitters, no conflicts (2 of 4 stars). 2 submissions from 2 submitters: Benign (2). Last evaluated 2018-01-13.

Conditions:
Cutis laxa with osteodystrophy (ARCL2A). Also called: Debré-Type Cutis Laxa; CUTIS LAXA WITH CONGENITAL DISORDER OF GLYCOSYLATION; CUTIS LAXA, AUTOSOMAL RECESSIVE, TYPE IIA; CUTIS LAXA WITH BONE DYSTROPHY; CUTIS LAXA WITH GROWTH AND DEVELOPMENTAL DELAY; CUTIS LAXA WITH JOINT LAXITY AND RETARDED DEVELOPMENT. Identifiers: Orphanet 357058, MedGen C0268355, MONDO:0018163, OMIM 219200. Disease mechanism: loss of function.

Allele frequency attached by ClinVar (database versions not stated): TOPMed 0.02026; gnomAD 0.02057 and 0.02017; 1000 Genomes Project 0.02316; 1000 Genomes Project 30x 0.02405.

Submissions (2):

Illumina Laboratory Services, Illumina
Classification: Benign for Cutis laxa with osteodystrophy. Last evaluated: 2018-01-13. Review status: criteria provided, single submitter. Criteria: ICSL Variant Classification Criteria 13 December 2019. Collection method: clinical testing. Allele origin: germline.
Comment: This variant was observed in the ICSL laboratory as part of a predisposition screen in an ostensibly healthy population. It had not been previously curated by ICSL or reported in the Human Gene Mutation Database (HGMD: prior to June 1st, 2018), and was therefore a candidate for classification through an automated scoring system. Utilizing variant allele frequency, disease prevalence and penetrance estimates, and inheritance mode, an automated score was calculated to assess if this variant is too frequent to cause the disease. Based on the score and internal cut-off values, a variant classified as benign is not then subjected to further curation. The score for this variant resulted in a classification of benign for this disease.

Breakthrough Genomics
Classification: Benign. Review status: criteria provided, single submitter. Criteria: ACMG Guidelines, 2015. Collection method: not provided. Allele origin: germline. Inheritance: Autosomal recessive inheritance. Affected: yes.

NM_012463.4(ATP6V0A2):c.*3235A>G

Gene: ATP6V0A2 (ATPase H+ transporting V0 subunit a2; plus strand). Cytogenetic location: 12q24.31.
Variant type: single nucleotide variant.
Coding change: c.*3235A>G on transcript NM_012463.4 (MANE Select); 3235 bases downstream of the stop codon, A replaced by G.
Molecular consequence: 3 prime UTR variant.
Genome position (GRCh38, 1-based): chr12:123,761,267, A>G. VCF-style: chr12-123761267-A-G. GRCh37 (hg19) VCF-style: chr12-124245814-A-G.
Identifiers: ClinVar variation 307640 (VCV000307640.6), dbSNP rs7310965, ClinGen allele CA10640526.
Genomic context (GRCh38, chr12:123,761,267, plus strand): 5'-CTCTGCAGTTGTTTAATAAGGCACAGAATACCTGTAGCATAGGTCAGCCTTACGATGTCC[A>G]TGAATTACATATTCAGACGTTTTAGAGCCTGATACATTTTGGAAAAGAAAAACAACTTCT-3'